The following is an entry in ClinVar:

ClinVar aggregate classification (germline): Uncertain significance (1 of 4 stars; one submission).

Conditions:
Intellectual developmental disorder, autosomal dominant 6, with or without seizures. Also called: Intellectual disability, autosomal dominant 6; GRIN2B-related developmental delay, intellectual disability and autism spectrum disorder. Identifiers: Orphanet 589547, MedGen C3151411, MONDO:0013509, OMIM 613970.
Developmental and epileptic encephalopathy, 27 (DEE27). Also called: GRIN2B-Related Neurodevelopmental Disorder; Epileptic encephalopathy, early infantile, 27. Identifiers: Orphanet 3451, MedGen C4015316, MONDO:0014505, OMIM 616139.

Submission:

Labcorp Genetics (formerly Invitae), Labcorp
Classification: Uncertain significance for Developmental and epileptic encephalopathy, 27; Intellectual developmental disorder, autosomal dominant 6, with or without seizures. Last evaluated: 2017-12-21. Review status: criteria provided, single submitter. Criteria: Invitae Variant Classification Sherloc (09022015). Collection method: clinical testing. Allele origin: germline.
Comment: This sequence change replaces arginine with threonine at codon 693 of the GRIN2B protein (p.Arg693Thr). The arginine residue is highly conserved and there is a moderate physicochemical difference between arginine and threonine. This variant is not present in population databases (ExAC no frequency). This variant has not been reported in the literature in individuals with GRIN2B-related disease. In summary, the available evidence is currently insufficient to determine the role of this variant in disease. Therefore, it has been classified as a Variant of Uncertain Significance. Algorithms developed to predict the effect of missense changes on protein structure and function do not agree on the potential impact of this missense change (SIFT: "Tolerated"; PolyPhen-2: "Probably Damaging"; Align-GVGD: "Class C0").

NM_000834.5(GRIN2B):c.2078G>C (p.Arg693Thr)

Gene: GRIN2B (glutamate ionotropic receptor NMDA type subunit 2B; minus strand). Cytogenetic location: 12p13.1.
Variant type: single nucleotide variant.
Coding change: c.2078G>C on transcript NM_000834.5 (MANE Select); coding-DNA position 2078, G replaced by C.
Protein change: p.Arg693Thr; replaces arginine 693 with threonine.
Molecular consequence: missense variant.
Genome position (GRCh38, 1-based): chr12:13,571,897, C>G on the plus strand (G>C on the coding strand, the complement: GRIN2B is on the minus strand). VCF-style: chr12-13571897-C-G. GRCh37 (hg19) VCF-style: chr12-13724831-C-G.
Other names: short protein forms R693T.
Identifiers: ClinVar variation 582523 (VCV000582523.9), dbSNP rs1565457884, ClinGen allele CA383999619.